The following is an entry in ClinVar:

NM_001184880.2(PCDH19):c.3262G>A (p.Ala1088Thr)

Gene: PCDH19 (protocadherin 19; minus strand). Cytogenetic location: Xq22.1.
Variant type: single nucleotide variant.
Coding change: c.3262G>A on transcript NM_001184880.2 (MANE Select); coding-DNA position 3262, G replaced by A.
Protein change: p.Ala1088Thr; replaces alanine 1088 with threonine.
Molecular consequence: missense variant.
Genome position (GRCh38, 1-based): chrX:100,296,462, C>T on the plus strand (G>A on the coding strand, the complement: PCDH19 is on the minus strand). VCF-style: chrX-100296462-C-T. GRCh37 (hg19) VCF-style: chrX-99551460-C-T.
Other names: p.A1041T:GCT>ACT; c.3121G>A, p.Ala1041Thr (NM_001105243.2); c.3118G>A, p.Ala1040Thr (NM_020766.3); short protein forms A1041T, A1088T, A1040T.
Identifiers: ClinVar variation 206306 (VCV000206306.18), dbSNP rs370078729, ClinGen allele CA316275.

ClinVar aggregate classification (germline): Conflicting classifications of pathogenicity. Review status: criteria provided, conflicting classifications (1 of 4 stars). 5 submissions from 5 submitters: Uncertain significance (2); Likely benign (3). Last evaluated 2026-01-01.

Conditions:
Inborn genetic diseases. Identifiers: MedGen C0950123, MeSH D030342.
Developmental and epileptic encephalopathy, 9 (DEE9). Also called: EPILEPSY, FEMALE-RESTRICTED, WITH MENTAL RETARDATION; PCDH19-Related X-Linked Female-Limited Epilepsy with Mental Retardation; Early infantile epileptic encephalopathy 9; JUBERG-HELLMAN SYNDROME. Identifiers: Orphanet 101039, Orphanet 2076, MedGen C1848137, MONDO:0010246, OMIM 300088. Disease mechanism: loss of function.

Allele frequency attached by ClinVar (database versions not stated): ExAC 0.00005; gnomAD 0.00007 and 0.00009; TOPMed 0.00007; ESP Exome Variant Server 0.00020.
gnomAD v4.1: 90 of 1,209,093 alleles (0.0074%); highest among the groups gnomAD compares: Non-Finnish European, 0.0096%; no homozygotes.

Submissions (5):

CeGaT Center for Human Genetics Tuebingen
Classification: Likely benign. Last evaluated: 2026-01-01. Review status: criteria provided, single submitter. Criteria: CeGaT Center For Human Genetics Tuebingen Variant Classification Criteria Version 2. Collection method: clinical testing. Allele origin: germline. Affected: yes. Observed: 1 variant allele.
Comment: PCDH19: BP4, BS2

Labcorp Genetics (formerly Invitae), Labcorp
Classification: Uncertain significance for Developmental and epileptic encephalopathy, 9. Last evaluated: 2025-11-09. Review status: criteria provided, single submitter. Criteria: Invitae Variant Classification Sherloc (09022015). Collection method: clinical testing. Allele origin: germline.
Comment: This sequence change replaces alanine, which is neutral and non-polar, with threonine, which is neutral and polar, at codon 1088 of the PCDH19 protein (p.Ala1088Thr). This variant is present in population databases (rs370078729, gnomAD 0.009%). This missense change has been observed in individual(s) with clinical features of developmental and epileptic encephalopathy (internal data). ClinVar contains an entry for this variant (Variation ID: 206306). Invitae Evidence Modeling of protein sequence and biophysical properties (such as structural, functional, and spatial information, amino acid conservation, physicochemical variation, residue mobility, and thermodynamic stability) indicates that this missense variant is not expected to disrupt PCDH19 protein function with a negative predictive value of 95%. In summary, the available evidence is currently insufficient to determine the role of this variant in disease. Therefore, it has been classified as a Variant of Uncertain Significance.

Ambry Genetics
Classification: Likely benign for Inborn genetic diseases. Last evaluated: 2022-08-08. Review status: criteria provided, single submitter. Criteria: Ambry Variant Classification Scheme 2023. Collection method: clinical testing. Allele origin: germline.

GeneDx
Classification: Likely benign. Last evaluated: 2019-11-18. Review status: criteria provided, single submitter. Criteria: GeneDx Variant Classification Process June 2021. Collection method: clinical testing. Allele origin: germline. Affected: yes.

Athena Diagnostics
Classification: Uncertain significance. Last evaluated: 2017-04-27. Review status: criteria provided, single submitter. Criteria: Athena Diagnostics Criteria. Collection method: clinical testing. Allele origin: germline.